The following is an entry in ClinVar:

NM_000245.4(MET):c.25C>T (p.Pro9Ser)

Gene: MET (MET proto-oncogene, receptor tyrosine kinase; plus strand). Cytogenetic location: 7q31.2.
Variant type: single nucleotide variant.
Coding change: c.25C>T on transcript NM_000245.4 (MANE Select); coding-DNA position 25, C replaced by T.
Protein change: p.Pro9Ser; replaces proline 9 with serine.
Molecular consequence: missense variant. On other transcripts: intron variant (1).
Genome position (GRCh38, 1-based): chr7:116,699,109, C>T. VCF-style: chr7-116699109-C-T. GRCh37 (hg19) VCF-style: chr7-116339163-C-T.
Other names: c.25C>T, p.Pro9Ser (NM_001127500.3, NM_001324401.3); c.-91+26532C>T (NM_001324402.2); short protein forms P9S.
Identifiers: ClinVar variation 1516929 (VCV001516929.6), dbSNP rs2116578170, ClinGen allele CA368968184.
Genomic context (GRCh38, chr7:116,699,109, plus strand): 5'-CGCCTTGAACCTGTTTTGGCAGATAAACCTCTCATAATGAAGGCCCCCGCTGTGCTTGCA[C>T]CTGGCATCCTCGTGCTCCTGTTTACCTTGGTGCAGAGGAGCAATGGGGAGTGTAAAGAGG-3'
Protein context (NP_000236.2, residues 1-19): MKAPAVLA[Pro9Ser]GILVLLFTLV

ClinVar aggregate classification (germline): Uncertain significance (1 of 4 stars; one submission).

Conditions:
Renal cell carcinoma. Identifiers: Orphanet 217071, MedGen C0007134, MeSH D002292, MONDO:0005086, HP:0005584.

Submission:

Labcorp Genetics (formerly Invitae), Labcorp
Classification: Uncertain significance for Renal cell carcinoma. Last evaluated: 2022-03-04. Review status: criteria provided, single submitter. Criteria: Invitae Variant Classification Sherloc (09022015). Collection method: clinical testing. Allele origin: germline.
Comment: In summary, the available evidence is currently insufficient to determine the role of this variant in disease. Therefore, it has been classified as a Variant of Uncertain Significance. This sequence change replaces proline, which is neutral and non-polar, with serine, which is neutral and polar, at codon 9 of the MET protein (p.Pro9Ser). This variant is not present in population databases (gnomAD no frequency). This variant has not been reported in the literature in individuals affected with MET-related conditions. Algorithms developed to predict the effect of missense changes on protein structure and function are either unavailable or do not agree on the potential impact of this missense change (SIFT: "Tolerated"; PolyPhen-2: "Possibly Damaging"; Align-GVGD: "Class C0").